The following is an entry in ClinVar:

NM_017617.5(NOTCH1):c.7271C>T (p.Ala2424Val)

Gene: NOTCH1 (notch receptor 1; minus strand). Cytogenetic location: 9q34.3.
Variant type: single nucleotide variant.
Coding change: c.7271C>T on transcript NM_017617.5 (MANE Select); coding-DNA position 7271, C replaced by T.
Protein change: p.Ala2424Val; replaces alanine 2424 with valine.
Molecular consequence: missense variant.
Genome position (GRCh38, 1-based): chr9:136,496,468, G>A on the plus strand (C>T on the coding strand, the complement: NOTCH1 is on the minus strand). VCF-style: chr9-136496468-G-A. GRCh37 (hg19) VCF-style: chr9-139390920-G-A.
Other names: short protein forms A2424V.
Identifiers: ClinVar variation 1758018 (VCV001758018.2), dbSNP rs953452913, ClinGen allele CA201632704.

ClinVar aggregate classification (germline): Uncertain significance (1 of 4 stars; one submission).

Conditions:
Familial thoracic aortic aneurysm and aortic dissection (TAAD). Also called: Thoracic aortic aneurysms and dissections. Identifiers: Orphanet 91387, MedGen C4707243, MONDO:0019625.

Allele frequency attached by ClinVar (database versions not stated): gnomAD 0.00001; TOPMed 0.00002.

Submission:

Ambry Genetics
Classification: Uncertain significance for Familial thoracic aortic aneurysm and aortic dissection. Last evaluated: 2021-09-15. Review status: criteria provided, single submitter. Criteria: Ambry Variant Classification Scheme 2023. Collection method: clinical testing. Allele origin: germline.
Comment: The p.A2424V variant (also known as c.7271C>T), located in coding exon 34 of the NOTCH1 gene, results from a C to T substitution at nucleotide position 7271. The alanine at codon 2424 is replaced by valine, an amino acid with similar properties. This amino acid position is conserved. In addition, this alteration is predicted to be tolerated by in silico analysis. Since supporting evidence is limited at this time, the clinical significance of this alteration remains unclear.